The following is an entry in ClinVar:

NM_000061.3(BTK):c.1762T>C (p.Trp588Arg)

Gene: BTK (Bruton tyrosine kinase; minus strand). Cytogenetic location: Xq22.1.
Variant type: single nucleotide variant.
Coding change: c.1762T>C on transcript NM_000061.3 (MANE Select); coding-DNA position 1762, T replaced by C.
Protein change: p.Trp588Arg; replaces tryptophan 588 with arginine.
Molecular consequence: missense variant.
Genome position (GRCh38, 1-based): chrX:101,353,340, A>G on the plus strand (T>C on the coding strand, the complement: BTK is on the minus strand). VCF-style: chrX-101353340-A-G. GRCh37 (hg19) VCF-style: chrX-100608328-A-G.
Other names: c.1864T>C, p.Trp622Arg (NM_001287344.2); c.1234T>C, p.Trp412Arg (NM_001287345.2); short protein forms W588R, W412R, W622R.
Identifiers: ClinVar variation 2737285 (VCV002737285.3), dbSNP rs2520528716, ClinGen allele CA413919558.

ClinVar aggregate classification (germline): Likely pathogenic (1 of 4 stars; one submission).

Conditions:
X-linked agammaglobulinemia with growth hormone deficiency (IGHD3). Also called: AGAMMAGLOBULINEMIA AND ISOLATED GROWTH HORMONE DEFICIENCY, X-LINKED; FLEISHER SYNDROME; Isolated growth hormone deficiency type 3; Growth hormone deficiency with hypogammaglobulinemia; HYPOGAMMAGLOBULINEMIA AND ISOLATED GROWTH HORMONE DEFICIENCY, X-LINKED; IGHD III. Identifiers: Orphanet 231692, Orphanet 631, MedGen C0472813, MONDO:0010615, OMIM 307200.

Submission:

Labcorp Genetics (formerly Invitae), Labcorp
Classification: Likely pathogenic for X-linked agammaglobulinemia with growth hormone deficiency. Last evaluated: 2025-02-03. Review status: criteria provided, single submitter. Criteria: Invitae Variant Classification Sherloc (09022015). Collection method: clinical testing. Allele origin: germline.
Comment: This sequence change replaces tryptophan, which is neutral and slightly polar, with arginine, which is basic and polar, at codon 588 of the BTK protein (p.Trp588Arg). This variant is not present in population databases (gnomAD no frequency). This missense change has been observed in individual(s) with agammaglobulinemia (PMID: 17045652). ClinVar contains an entry for this variant (Variation ID: 2737285). Invitae Evidence Modeling of protein sequence and biophysical properties (such as structural, functional, and spatial information, amino acid conservation, physicochemical variation, residue mobility, and thermodynamic stability) indicates that this missense variant is expected to disrupt BTK protein function with a positive predictive value of 95%. Studies have shown that this missense change alters BTK gene expression (PMID: 17045652). This variant disrupts the p.Trp588 amino acid residue in BTK. Other variant(s) that disrupt this residue have been determined to be pathogenic (PMID: 14974089, 26931785). This suggests that this residue is clinically significant, and that variants that disrupt this residue are likely to be disease-causing. In summary, the currently available evidence indicates that the variant is pathogenic, but additional data are needed to prove that conclusively. Therefore, this variant has been classified as Likely Pathogenic.

Literature cited by the submitters: PubMed 17045652; PubMed 14974089; PubMed 26931785.